The following is an entry in ClinVar:

ClinVar aggregate classification (germline): Uncertain significance. Review status: criteria provided, multiple submitters, no conflicts (2 of 4 stars). 3 submissions from 3 submitters: Uncertain significance (3). Last evaluated 2025-08-26.

Conditions:
Inborn genetic diseases. Identifiers: MedGen C0950123, MeSH D030342.
Junctional epidermolysis bullosa. Identifiers: Orphanet 305, MedGen C0079301, MONDO:0017612.

Allele frequency attached by ClinVar (database versions not stated): TOPMed 0.00009; ExAC 0.00011; gnomAD 0.00011 and 0.00012; gnomAD exomes 0.00011; ESP Exome Variant Server 0.00031.

Submissions (3):

Ambry Genetics
Classification: Uncertain significance for Inborn genetic diseases. Last evaluated: 2025-08-26. Review status: criteria provided, single submitter. Criteria: Ambry Variant Classification Scheme 2023. Collection method: clinical testing. Allele origin: germline.

Labcorp Genetics (formerly Invitae), Labcorp
Classification: Uncertain significance. Last evaluated: 2022-10-02. Review status: criteria provided, single submitter. Criteria: Invitae Variant Classification Sherloc (09022015). Collection method: clinical testing. Allele origin: germline.
Comment: This sequence change replaces isoleucine, which is neutral and non-polar, with valine, which is neutral and non-polar, at codon 516 of the LAMB3 protein (p.Ile516Val). This variant is present in population databases (rs148988085, gnomAD 0.03%). This variant has not been reported in the literature in individuals affected with LAMB3-related conditions. ClinVar contains an entry for this variant (Variation ID: 295106). Algorithms developed to predict the effect of missense changes on protein structure and function (SIFT, PolyPhen-2, Align-GVGD) all suggest that this variant is likely to be tolerated. In summary, the available evidence is currently insufficient to determine the role of this variant in disease. Therefore, it has been classified as a Variant of Uncertain Significance.

Illumina Laboratory Services, Illumina
Classification: Uncertain significance for Junctional epidermolysis bullosa. Last evaluated: 2018-01-12. Review status: criteria provided, single submitter. Criteria: ICSL Variant Classification Criteria 13 December 2019. Collection method: clinical testing. Allele origin: germline.

NM_000228.3(LAMB3):c.1546A>G (p.Ile516Val)

Gene: LAMB3 (laminin subunit beta 3; minus strand). Cytogenetic location: 1q32.2.
Variant type: single nucleotide variant.
Coding change: c.1546A>G on transcript NM_000228.3 (MANE Select); coding-DNA position 1546, A replaced by G.
Protein change: p.Ile516Val; replaces isoleucine 516 with valine.
Molecular consequence: missense variant.
Genome position (GRCh38, 1-based): chr1:209,626,918, T>C on the plus strand (A>G on the coding strand, the complement: LAMB3 is on the minus strand). VCF-style: chr1-209626918-T-C. GRCh37 (hg19) VCF-style: chr1-209800263-T-C.
Other names: c.1546A>G, p.Ile516Val (NM_001017402.2, NM_001127641.1); short protein forms I516V.
Identifiers: ClinVar variation 295106 (VCV000295106.8), dbSNP rs148988085, ClinGen allele CA1375551.
Genomic context (GRCh38, chr1:209,626,918, plus strand): 5'-AGCATGCACCTCGGCATCCTGTGGCCACGTCTCCATAGGTCCGGTCTGGACACTGGCGGA[T>C]GGCTGCAGCGCTGCACATCAGGCCACCAAAGCCTTCCCGACAGGGGCACTGCCCTGTGAA-3'
Protein context (NP_000219.2, residues 506-526): FGGLMCSAAA[Ile516Val]RQCPDRTYGD